The following is an entry in ClinVar:

NM_194454.3(KRIT1):c.491T>C (p.Leu164Ser)

Gene: KRIT1 (KRIT1 ankyrin repeat containing; minus strand). Cytogenetic location: 7q21.2.
Variant type: single nucleotide variant.
Coding change: c.491T>C on transcript NM_194454.3 (MANE Select); coding-DNA position 491, T replaced by C.
Protein change: p.Leu164Ser; replaces leucine 164 with serine.
Molecular consequence: missense variant. On other transcripts: 5 prime UTR variant (1).
Genome position (GRCh38, 1-based): chr7:92,235,641, A>G on the plus strand (T>C on the coding strand, the complement: KRIT1 is on the minus strand). VCF-style: chr7-92235641-A-G. GRCh37 (hg19) VCF-style: chr7-91864955-A-G.
Other names: c.491T>C, p.Leu164Ser (NM_001013406.2, NM_001350669.1, NM_001350670.1 and 29 more transcripts); c.-93T>C (NM_001350671.1); short protein forms L164S.
Identifiers: ClinVar variation 1359186 (VCV001359186.9), dbSNP rs1739707829, ClinGen allele CA368161605.

ClinVar aggregate classification (germline): Uncertain significance. Review status: criteria provided, multiple submitters, no conflicts (2 of 4 stars). 2 submissions from 2 submitters: Uncertain significance (2). Last evaluated 2024-01-07.

Conditions:
Cerebral cavernous malformation (CCM). Also called: CAVERNOUS ANGIOMA, FAMILIAL; CAVERNOUS ANGIOMATOUS MALFORMATIONS; CEREBRAL CAPILLARY MALFORMATIONS; Cavernous Hemangioma of Brain; Cerebral cavernous hemangioma (type); Cerebral cavernous malformations. Identifiers: Orphanet 221061, MedGen C2919945, MONDO:0000820, OMIM 116860, HP:0033522.

Allele frequency attached by ClinVar (database versions not stated): TOPMed below 0.00001.

Submissions (2):

GeneDx
Classification: Uncertain significance. Last evaluated: 2024-01-07. Review status: criteria provided, single submitter. Criteria: GeneDx Variant Classification Process June 2021. Collection method: clinical testing. Allele origin: germline. Affected: yes.
Comment: Not observed at significant frequency in large population cohorts (gnomAD); In silico analysis supports that this missense variant has a deleterious effect on protein structure/function; Has not been previously published as pathogenic or benign to our knowledge

Labcorp Genetics (formerly Invitae), Labcorp
Classification: Uncertain significance for Cerebral cavernous malformation. Last evaluated: 2021-07-27. Review status: criteria provided, single submitter. Criteria: Invitae Variant Classification Sherloc (09022015). Collection method: clinical testing. Allele origin: germline.
Comment: This sequence change replaces leucine with serine at codon 164 of the KRIT1 protein (p.Leu164Ser). The leucine residue is highly conserved and there is a large physicochemical difference between leucine and serine. This variant is not present in population databases (ExAC no frequency). This variant has not been reported in the literature in individuals with KRIT1-related conditions. Algorithms developed to predict the effect of missense changes on protein structure and function (SIFT, PolyPhen-2, Align-GVGD) all suggest that this variant is likely to be disruptive, but these predictions have not been confirmed by published functional studies and their clinical significance is uncertain. In summary, the available evidence is currently insufficient to determine the role of this variant in disease. Therefore, it has been classified as a Variant of Uncertain Significance.